The following is an entry in ClinVar:

ClinVar aggregate classification (germline): Uncertain significance. Review status: criteria provided, multiple submitters, no conflicts (2 of 4 stars). 2 submissions from 2 submitters: Uncertain significance (2). Last evaluated 2024-05-14.

Submissions (2):

Athena Diagnostics
Classification: Uncertain significance. Last evaluated: 2024-05-14. Review status: criteria provided, single submitter. Criteria: Athena Diagnostics Criteria. Collection method: clinical testing. Allele origin: unknown.
Comment: Available data are insufficient to determine the clinical significance of the variant at this time. This variant has not been reported in large, multi-ethnic general populations. Polyphen and MutationTaster predict this amino acid change may be damaging to the protein.

Blueprint Genetics
Classification: Uncertain significance. Last evaluated: 2019-07-24. Review status: criteria provided, single submitter. Criteria: ACMG Guidelines, 2015. Collection method: clinical testing. Allele origin: germline.

NM_018075.5(ANO10):c.1471T>G (p.Tyr491Asp)

Gene: ANO10 (anoctamin 10; minus strand). Cytogenetic location: 3p22.1.
Variant type: single nucleotide variant.
Coding change: c.1471T>G on transcript NM_018075.5 (MANE Select); coding-DNA position 1471, T replaced by G.
Protein change: p.Tyr491Asp; replaces tyrosine 491 with aspartic acid.
Molecular consequence: missense variant.
Genome position (GRCh38, 1-based): chr3:43,561,225, A>C on the plus strand (T>G on the coding strand, the complement: ANO10 is on the minus strand). VCF-style: chr3-43561225-A-C. GRCh37 (hg19) VCF-style: chr3-43602717-A-C.
Other names: c.1471T>G, p.Tyr491Asp (NM_001204831.3, NM_001346463.2, NM_001346464.2 and 3 more transcripts); c.1273T>G, p.Tyr425Asp (NM_001204832.3, NM_001346466.2, NM_001346469.2); c.1138T>G, p.Tyr380Asp (NM_001204833.3); c.901T>G, p.Tyr301Asp (NM_001204834.3); short protein forms Y301D, Y380D, Y491D, Y425D.
Identifiers: ClinVar variation 3571698 (VCV003571698.2).